The following is an entry in ClinVar:

NM_212482.4(FN1):c.2528T>C (p.Ile843Thr)

Gene: FN1 (fibronectin 1; minus strand). Cytogenetic location: 2q35.
Variant type: single nucleotide variant.
Coding change: c.2528T>C on transcript NM_212482.4 (MANE Select); coding-DNA position 2528, T replaced by C.
Protein change: p.Ile843Thr; replaces isoleucine 843 with threonine.
Molecular consequence: missense variant.
Genome position (GRCh38, 1-based): chr2:215,407,312, A>G on the plus strand (T>C on the coding strand, the complement: FN1 is on the minus strand). VCF-style: chr2-215407312-A-G. GRCh37 (hg19) VCF-style: chr2-216272035-A-G.
Other names: c.2528T>C, p.Ile843Thr (NM_001306129.2, NM_001306130.2, NM_001306131.2 and 13 more transcripts); short protein forms I843T.
Identifiers: ClinVar variation 5008083 (VCV005008083.1).
Genomic context (GRCh38, chr2:215,407,312, plus strand): 5'-TTTGCAGTTTCAGGAAGGTTGAGTTCTGTGCTGCTACCTTCTACTGATGGCGAATAGACT[A>G]TTCTGTACCCTGCAGATTCATGAGCAAAAGTAAGATGCACTGTTTTCTTTGAGACAGAGG-3'
Protein context (NP_997647.2, residues 833-853): RPQAPITGYR[Ile843Thr]VYSPSVEGSS

ClinVar aggregate classification (germline): Uncertain significance (1 of 4 stars; one submission).

Submission:

GeneDx
Classification: Uncertain significance. Last evaluated: 2026-03-01. Review status: criteria provided, single submitter. Criteria: GeneDx Variant Classification Process June 2021. Collection method: clinical testing. Allele origin: germline.
Comment: Not observed at significant frequency in large population cohorts (gnomAD); In silico analysis supports that this missense variant has a deleterious effect on protein structure/function; Has not been previously published as pathogenic or benign to our knowledge